The following is an entry in ClinVar:

ClinVar aggregate classification (germline): Likely benign. Review status: criteria provided, single submitter (1 of 4 stars). 2 submissions from 2 submitters: Likely benign (1). 1 of the submissions does not count toward it. Last evaluated 2022-07-19.

Conditions:
ARHGEF10-related disorder. Also called: ARHGEF10-related condition.

Allele frequency attached by ClinVar (database versions not stated): gnomAD exomes 0.00001 and 0.00015; TOPMed 0.00011; gnomAD 0.00012; ExAC 0.00017; 1000 Genomes Project 0.00060; 1000 Genomes Project 30x 0.00062.

Submissions (2):

Labcorp Genetics (formerly Invitae), Labcorp
Classification: Likely benign. Last evaluated: 2022-07-19. Review status: criteria provided, single submitter. Criteria: Invitae Variant Classification Sherloc (09022015). Collection method: clinical testing. Allele origin: germline.

PreventionGenetics, part of Exact Sciences
Classification: Likely benign for ARHGEF10-related condition. Last evaluated: 2020-09-03. Review status: no assertion criteria provided. Collection method: clinical testing. Allele origin: germline. Not counted in ClinVar's aggregate classification.
Comment: This variant is classified as likely benign based on ACMG/AMP sequence variant interpretation guidelines (Richards et al. 2015 PMID: 25741868, with internal and published modifications).

NM_014629.4(ARHGEF10):c.566A>T (p.Glu189Val)

Gene: ARHGEF10 (Rho guanine nucleotide exchange factor 10; plus strand). Cytogenetic location: 8p23.3.
Variant type: single nucleotide variant.
Coding change: c.566A>T on transcript NM_014629.4 (MANE Select); coding-DNA position 566, A replaced by T.
Protein change: p.Glu189Val; replaces glutamic acid 189 with valine.
Molecular consequence: missense variant.
Genome position (GRCh38, 1-based): chr8:1,866,546, A>T. VCF-style: chr8-1866546-A-T. GRCh37 (hg19) VCF-style: chr8-1814712-A-T.
Other names: c.569A>T, p.Glu190Val (NM_001308152.2, NM_001308153.3); short protein forms E189V, E190V, E214V.
Identifiers: ClinVar variation 1577369 (VCV001577369.10), dbSNP rs200940106, ClinGen allele CA4599867.
Genomic context (GRCh38, chr8:1,866,546, plus strand): 5'-GTGCCTGGATATTCTGACTTTATGGTTTGTTTTCTTTAAGTGAAGATCAAGTCGGTCGAG[A>T]GGACAGCGCACTTGCCCGCTGGGCCGCAGACCCGGCCAACACAGCCTGGATGGAGAGTAA-3'
Protein context (NP_055444.2, residues 179-199): PPTSEDQVGR[Glu189Val]DSALARWAAD